The following is an entry in ClinVar:

GRCh37/hg19 5q13.1-13.2(chr5:68278453-70369959)x3

Genes: CCDC125 (coiled-coil domain containing 125; minus strand), CCNB1 (cyclin B1; plus strand), CDK7 (cyclin dependent kinase 7; plus strand), CENPH (centromere protein H; plus strand), GTF2H2 (general transcription factor IIH subunit 2; minus strand) and 12 more. Cytogenetic location: 5q13.1-13.2.
Variant type: copy number gain.
Change: copy number 3 (three copies instead of two) of chr5:68,278,453-70,369,959 (2.09 Mb, GRCh37 coordinates, 1-based), cytogenetic band 5q13.1-13.2.
Identifiers: ClinVar variation 617596 (VCV000617596.3).

ClinVar aggregate classification (germline): Uncertain significance (0 of 4 stars; one submission).

Submission:

Institute of Human Genetics, University of Goettingen
Classification: Uncertain significance. Last evaluated: 2018-07-05. Review status: no assertion criteria provided. Collection method: clinical testing. Allele origin: unknown. Affected: yes. Observed: 1 variant allele.
Comment: no comparable aberrations in the population database DGV and in the disease databases ISCA and DECIPHER; 31 Genes are affected by this duplication